The following is an entry in ClinVar:

ClinVar aggregate classification (germline): Likely benign (1 of 4 stars; one submission).

Conditions:
ZNF292-related disorder. Also called: ZNF292-related condition.

gnomAD v4.1: 9 of 1,609,946 alleles (0.00056%); highest among the groups gnomAD compares: Admixed American, 0.012%; no homozygotes.

Submission:

PreventionGenetics, part of Exact Sciences
Classification: Likely benign for ZNF292-related condition. Last evaluated: 2025-03-13. Review status: criteria provided, single submitter. Criteria: ACMG Guidelines, 2015. Collection method: clinical testing. Allele origin: germline.
Comment: This variant is classified as likely benign based on ACMG/AMP sequence variant interpretation guidelines (Richards et al. 2015 PMID: 25741868, with internal and published modifications).

NM_015021.3(ZNF292):c.6177G>C (p.Val2059=)

Gene: ZNF292 (zinc finger protein 292; plus strand). Cytogenetic location: 6q14.3.
Variant type: single nucleotide variant.
Coding change: c.6177G>C on transcript NM_015021.3 (MANE Select); coding-DNA position 6177, G replaced by C.
Protein change: p.Val2059=; no amino-acid change (valine 2059 retained).
Molecular consequence: synonymous variant.
Genome position (GRCh38, 1-based): chr6:87,259,806, G>C. VCF-style: chr6-87259806-G-C. GRCh37 (hg19) VCF-style: chr6-87969524-G-C.
Other names: c.5757G>C, p.Val1919= (NM_001351444.2).
Identifiers: ClinVar variation 4999423 (VCV004999423.1).